The following is an entry in ClinVar:

NM_152743.4(BRAT1):c.1499A>G (p.Glu500Gly)

Gene: BRAT1 (BRCA1 associated ATM activator 1; minus strand). Cytogenetic location: 7p22.3.
Variant type: single nucleotide variant.
Coding change: c.1499A>G on transcript NM_152743.4 (MANE Select); coding-DNA position 1499, A replaced by G.
Protein change: p.Glu500Gly; replaces glutamic acid 500 with glycine.
Molecular consequence: missense variant. On other transcripts: non-coding transcript variant (1).
Genome position (GRCh38, 1-based): chr7:2,539,642, T>C on the plus strand (A>G on the coding strand, the complement: BRAT1 is on the minus strand). VCF-style: chr7-2539642-T-C. GRCh37 (hg19) VCF-style: chr7-2579276-T-C.
Other names: c.1499A>G, p.Glu500Gly (NM_001350626.2); c.974A>G, p.Glu325Gly (NM_001350627.2); short protein forms E500G, E325G.
Identifiers: ClinVar variation 933707 (VCV000933707.9), dbSNP rs1778987740, ClinGen allele CA366627914.

ClinVar aggregate classification (germline): Uncertain significance (1 of 4 stars; one submission).

Conditions:
Neonatal-onset encephalopathy with rigidity and seizures. Also called: Lethal neonatal spasticity-epileptic encephalopathy syndrome. Identifiers: Orphanet 435845, MedGen C3281029, MONDO:0013784, OMIM 614498.

Allele frequency attached by ClinVar (database versions not stated): gnomAD exomes below 0.00001.
gnomAD v4.1: 3 of 1,591,742 alleles (0.00019%); highest among the groups gnomAD compares: South Asian, 0.0023%; no homozygotes.

Submission:

Labcorp Genetics (formerly Invitae), Labcorp
Classification: Uncertain significance for Neonatal-onset encephalopathy with rigidity and seizures. Last evaluated: 2020-01-28. Review status: criteria provided, single submitter. Criteria: Invitae Variant Classification Sherloc (09022015). Collection method: clinical testing. Allele origin: germline.
Comment: Algorithms developed to predict the effect of missense changes on protein structure and function are either unavailable or do not agree on the potential impact of this missense change (SIFT: "Deleterious"; PolyPhen-2: "Benign"; Align-GVGD: "Class C15"). In summary, the available evidence is currently insufficient to determine the role of this variant in disease. Therefore, it has been classified as a Variant of Uncertain Significance. This variant has not been reported in the literature in individuals with BRAT1-related conditions. This variant is not present in population databases (ExAC no frequency). This sequence change replaces glutamic acid with glycine at codon 500 of the BRAT1 protein (p.Glu500Gly). The glutamic acid residue is moderately conserved and there is a moderate physicochemical difference between glutamic acid and glycine.